The following is an entry in ClinVar:

NM_007194.4(CHEK2):c.283_288del (p.Arg95_Leu96del)

Gene: CHEK2 (checkpoint kinase 2; minus strand). Cytogenetic location: 22q12.1.
Variant type: Deletion.
Coding change: c.283_288del on transcript NM_007194.4 (MANE Select); coding-DNA positions 283 to 288, 6 bases deleted (CGATTA; older notation c.283_288delCGATTA).
Protein change: p.Arg95_Leu96del.
Molecular consequence: inframe deletion. On other transcripts: inframe indel (3).
Genome position (GRCh38, 1-based): chr22:28,734,434-28,734,439, TAATCG deleted on the plus strand (CGATTA on the coding strand, the reverse complement: CHEK2 is on the minus strand). VCF-style (leftmost placement, unchanged base first): chr22-28734433-ATAATCG-A. GRCh37 (hg19) VCF-style: chr22-29130421-ATAATCG-A.
Other names: c.283_288delCGATTA, p.Arg95_Leu96del (NM_001005735.3, NM_001349956.3, NM_145862.3); c.-495_-490delCGATTA (NM_001257387.3).
Identifiers: ClinVar variation 1346257 (VCV001346257.7), dbSNP rs2146144505, ClinGen allele CA2573158068.
Genomic context (GRCh38, chr22:28,734,433, plus strand): 5'-AACGTGATACTATACAACAAAGGGTCTTACCAAGATTGGCAAATCCATCCTGAAGGGCCC[ATAATCG>A]AGCCCAGGGGGCAGGGGTAGGCTCCTCAGGTTCTTGGTCCTCAGGTTCTTGGTCCTCAGG-3'

ClinVar aggregate classification (germline): Uncertain significance (1 of 4 stars; one submission).

Conditions:
Familial cancer of breast. Also called: hereditary breast carcinoma; Hereditary breast cancer; BREAST CANCER, FAMILIAL. Identifiers: Orphanet 227535, MedGen C0346153, MONDO:0016419, OMIM 114480. Disease mechanism: loss of function.

Submission:

Labcorp Genetics (formerly Invitae), Labcorp
Classification: Uncertain significance for Familial cancer of breast. Last evaluated: 2022-03-08. Review status: criteria provided, single submitter. Criteria: Invitae Variant Classification Sherloc (09022015). Collection method: clinical testing. Allele origin: germline.
Comment: In summary, the available evidence is currently insufficient to determine the role of this variant in disease. Therefore, it has been classified as a Variant of Uncertain Significance. Experimental studies and prediction algorithms are not available or were not evaluated, and the functional significance of this variant is currently unknown. This variant has not been reported in the literature in individuals affected with CHEK2-related conditions. This variant is not present in population databases (gnomAD no frequency). This variant, c.283_288del, results in the deletion of 2 amino acid(s) of the CHEK2 protein (p.Arg95_Leu96del), but otherwise preserves the integrity of the reading frame.